The following is an entry in ClinVar:

NM_001256789.3(CACNA1F):c.2386G>A (p.Asp796Asn)

Gene: CACNA1F (calcium voltage-gated channel subunit alpha1 F; minus strand). Cytogenetic location: Xp11.23.
Variant type: single nucleotide variant.
Coding change: c.2386G>A on transcript NM_001256789.3 (MANE Select); coding-DNA position 2386, G replaced by A.
Protein change: p.Asp796Asn; replaces aspartic acid 796 with asparagine.
Molecular consequence: missense variant.
Genome position (GRCh38, 1-based): chrX:49,220,473, C>T on the plus strand (G>A on the coding strand, the complement: CACNA1F is on the minus strand). VCF-style: chrX-49220473-C-T. GRCh37 (hg19) VCF-style: chrX-49076932-C-T.
Other names: c.2224G>A, p.Asp742Asn (NM_001256790.3); c.2419G>A, p.Asp807Asn (NM_005183.4); c.2419G>A (NM_005183.3); short protein forms D796N, D807N, D742N.
Identifiers: ClinVar variation 2855868 (VCV002855868.4), dbSNP rs2520938718, ClinGen allele CA412908117.

ClinVar aggregate classification (germline): Uncertain significance. Review status: criteria provided, multiple submitters, no conflicts (2 of 4 stars). 2 submissions from 2 submitters: Uncertain significance (2). Last evaluated 2025-08-26.

Conditions:
CACNA1F-related disorder. Also called: CACNA1F-related condition.

Allele frequency attached by ClinVar (database versions not stated): gnomAD exomes below 0.00001.
gnomAD v4.1: 1 of 1,207,405 alleles (0.000083%); highest among the groups gnomAD compares: Non-Finnish European, 0.00011%; no homozygotes.

Submissions (2):

Labcorp Genetics (formerly Invitae), Labcorp
Classification: Uncertain significance. Last evaluated: 2025-08-26. Review status: criteria provided, single submitter. Criteria: Invitae Variant Classification Sherloc (09022015). Collection method: clinical testing. Allele origin: germline.
Comment: This sequence change replaces aspartic acid, which is acidic and polar, with asparagine, which is neutral and polar, at codon 807 of the CACNA1F protein (p.Asp807Asn). This variant also falls at the last nucleotide of exon 19, which is part of the consensus splice site for this exon. This variant is not present in population databases (gnomAD no frequency). This variant has not been reported in the literature in individuals affected with CACNA1F-related conditions. ClinVar contains an entry for this variant (Variation ID: 2855868). An algorithm developed to predict the effect of missense changes on protein structure and function (PolyPhen-2) suggests that this variant is likely to be tolerated. Variants that disrupt the consensus splice site are a relatively common cause of aberrant splicing (PMID: 17576681, 9536098). Algorithms developed to predict the effect of sequence changes on RNA splicing suggest that this variant may disrupt the consensus splice site. In summary, the available evidence is currently insufficient to determine the role of this variant in disease. Therefore, it has been classified as a Variant of Uncertain Significance.

PreventionGenetics, part of Exact Sciences
Classification: Uncertain significance for CACNA1F-related condition. Last evaluated: 2024-12-16. Review status: criteria provided, single submitter. Criteria: ACMG Guidelines, 2015. Collection method: clinical testing. Allele origin: germline.
Comment: The CACNA1F c.2419G>A variant is predicted to result in the amino acid substitution p.Asp807Asn. To our knowledge, this variant has not been reported in the literature or in a large population database (gnomAD), indicating this variant is rare. At this time, the clinical significance of this variant is uncertain due to the absence of conclusive functional and genetic evidence.

Literature cited by the submitters: PubMed 17576681 (cited by Labcorp Genetics (formerly Invitae), Labcorp); PubMed 9536098 (cited by Labcorp Genetics (formerly Invitae), Labcorp).